The following is an entry in ClinVar:

ClinVar aggregate classification (germline): Uncertain significance (1 of 4 stars; one submission).

Submission:

Labcorp Genetics (formerly Invitae), Labcorp
Classification: Uncertain significance. Last evaluated: 2024-11-21. Review status: criteria provided, single submitter. Criteria: Invitae Variant Classification Sherloc (09022015). Collection method: clinical testing. Allele origin: germline.
Comment: This sequence change replaces alanine, which is neutral and non-polar, with threonine, which is neutral and polar, at codon 141 of the KRT14 protein (p.Ala141Thr). This variant is present in population databases (rs768747443, gnomAD 0.003%). This variant has not been reported in the literature in individuals affected with KRT14-related conditions. Invitae Evidence Modeling of protein sequence and biophysical properties (such as structural, functional, and spatial information, amino acid conservation, physicochemical variation, residue mobility, and thermodynamic stability) indicates that this missense variant is not expected to disrupt KRT14 protein function with a negative predictive value of 80%. In summary, the available evidence is currently insufficient to determine the role of this variant in disease. Therefore, it has been classified as a Variant of Uncertain Significance.

NM_000526.5(KRT14):c.421G>A (p.Ala141Thr)

Gene: KRT14 (keratin 14; minus strand). Cytogenetic location: 17q21.2.
Variant type: single nucleotide variant.
Coding change: c.421G>A on transcript NM_000526.5 (MANE Select); coding-DNA position 421, G replaced by A.
Protein change: p.Ala141Thr; replaces alanine 141 with threonine.
Molecular consequence: missense variant.
Genome position (GRCh38, 1-based): chr17:41,586,414, C>T on the plus strand (G>A on the coding strand, the complement: KRT14 is on the minus strand). VCF-style: chr17-41586414-C-T. GRCh37 (hg19) VCF-style: chr17-39742666-C-T.
Other names: short protein forms A141T.
Identifiers: ClinVar variation 3710396 (VCV003710396.2).